The following is an entry in ClinVar:

ClinVar aggregate classification (germline): Uncertain significance (1 of 4 stars; one submission).

Conditions:
Gastrointestinal stromal tumor. Also called: Gastrointestinal stromal tumor, somatic; Gastrointestinal stroma tumor. Identifiers: Orphanet 44890, MedGen C0238198, MeSH D046152, MONDO:0011719, OMIM 606764, HP:0100723.

Submission:

Labcorp Genetics (formerly Invitae), Labcorp
Classification: Uncertain significance for Gastrointestinal stromal tumor. Last evaluated: 2024-06-23. Review status: criteria provided, single submitter. Criteria: Invitae Variant Classification Sherloc (09022015). Collection method: clinical testing. Allele origin: germline.
Comment: This sequence change replaces lysine, which is basic and polar, with glutamine, which is neutral and polar, at codon 779 of the PDGFRA protein (p.Lys779Gln). This variant is not present in population databases (gnomAD no frequency). This variant has not been reported in the literature in individuals affected with PDGFRA-related conditions. Advanced modeling of protein sequence and biophysical properties (such as structural, functional, and spatial information, amino acid conservation, physicochemical variation, residue mobility, and thermodynamic stability) performed at Invitae indicates that this missense variant is not expected to disrupt PDGFRA protein function with a negative predictive value of 80%. In summary, the available evidence is currently insufficient to determine the role of this variant in disease. Therefore, it has been classified as a Variant of Uncertain Significance.

NM_006206.6(PDGFRA):c.2335A>C (p.Lys779Gln)

Gene: PDGFRA (platelet derived growth factor receptor alpha; plus strand). Cytogenetic location: 4q12.
Variant type: single nucleotide variant.
Coding change: c.2335A>C on transcript NM_006206.6 (MANE Select); coding-DNA position 2335, A replaced by C.
Protein change: p.Lys779Gln; replaces lysine 779 with glutamine.
Molecular consequence: missense variant.
Genome position (GRCh38, 1-based): chr4:54,285,382, A>C. VCF-style: chr4-54285382-A-C. GRCh37 (hg19) VCF-style: chr4-55151549-A-C.
Other names: c.2410A>C, p.Lys804Gln (NM_001347828.2); c.2335A>C, p.Lys779Gln (NM_001347829.2); c.2374A>C, p.Lys792Gln (NM_001347830.2); short protein forms K779Q, K804Q, K792Q.
Identifiers: ClinVar variation 3657524 (VCV003657524.2).